The following is an entry in ClinVar:

ClinVar aggregate classification (germline): Uncertain significance (1 of 4 stars; one submission).

gnomAD v4.1: 1 of 1,614,124 alleles (0.000062%); highest among the groups gnomAD compares: Non-Finnish European, 0.000085%; no homozygotes.

Submission:

Labcorp Genetics (formerly Invitae), Labcorp
Classification: Uncertain significance. Last evaluated: 2020-12-21. Review status: criteria provided, single submitter. Criteria: Invitae Variant Classification Sherloc (09022015). Collection method: clinical testing. Allele origin: germline.
Comment: In summary, the available evidence is currently insufficient to determine the role of this variant in disease. Therefore, it has been classified as a Variant of Uncertain Significance. Algorithms developed to predict the effect of missense changes on protein structure and function are either unavailable or do not agree on the potential impact of this missense change (SIFT: "Deleterious"; PolyPhen-2: "Probably Damaging"; Align-GVGD: "Class C0"). This variant has not been reported in the literature in individuals with SZT2-related conditions. This variant is not present in population databases (ExAC no frequency). This sequence change replaces methionine with valine at codon 1972 of the SZT2 protein (p.Met1972Val). The methionine residue is highly conserved and there is a small physicochemical difference between methionine and valine.

NM_001365999.1(SZT2):c.6085A>G (p.Met2029Val)

Gene: SZT2 (SZT2 subunit of KICSTOR complex; plus strand). Cytogenetic location: 1p34.2.
Variant type: single nucleotide variant.
Coding change: c.6085A>G on transcript NM_001365999.1 (MANE Select); coding-DNA position 6085, A replaced by G.
Protein change: p.Met2029Val; replaces methionine 2029 with valine.
Molecular consequence: missense variant.
Genome position (GRCh38, 1-based): chr1:43,437,221, A>G. VCF-style: chr1-43437221-A-G. GRCh37 (hg19) VCF-style: chr1-43902892-A-G.
Other names: c.5914A>G, p.Met1972Val (NM_015284.4); short protein forms M1972V, M2029V.
Identifiers: ClinVar variation 1443027 (VCV001443027.8), dbSNP rs2153934975, ClinGen allele CA340028147.